The following is an entry in ClinVar:

ClinVar aggregate classification (germline): Uncertain significance (1 of 4 stars; one submission).

Conditions:
Autosomal dominant Parkinson disease 8. Also called: LRRK2-Related Parkinson Disease; Parkinson disease 8; Parkinson disease 8, susceptibility to. Identifiers: Orphanet 411602, MedGen C1846862, MONDO:0011764, OMIM 607060.

Allele frequency attached by ClinVar (database versions not stated): ExAC 0.00002; gnomAD exomes 0.00002 and 0.00007; gnomAD 0.00005; TOPMed 0.00005.
gnomAD v4.1: 111 of 1,614,040 alleles (0.0069%); highest among the groups gnomAD compares: Non-Finnish European, 0.009%; no homozygotes.

Submission:

Labcorp Genetics (formerly Invitae), Labcorp
Classification: Uncertain significance for Autosomal dominant Parkinson disease 8. Last evaluated: 2025-12-22. Review status: criteria provided, single submitter. Criteria: Invitae Variant Classification Sherloc (09022015). Collection method: clinical testing. Allele origin: germline.
Comment: This sequence change replaces asparagine, which is neutral and polar, with serine, which is neutral and polar, at codon 720 of the LRRK2 protein (p.Asn720Ser). This variant is present in population databases (rs71653639, gnomAD 0.004%). This variant has not been reported in the literature in individuals affected with LRRK2-related conditions. ClinVar contains an entry for this variant (Variation ID: 1360689). Invitae Evidence Modeling of protein sequence and biophysical properties (such as structural, functional, and spatial information, amino acid conservation, physicochemical variation, residue mobility, and thermodynamic stability) has been performed for this missense variant. However, the output from this modeling did not meet the statistical confidence thresholds required to predict the impact of this variant on LRRK2 protein function. In summary, the available evidence is currently insufficient to determine the role of this variant in disease. Therefore, it has been classified as a Variant of Uncertain Significance.

NM_198578.4(LRRK2):c.2159A>G (p.Asn720Ser)

Gene: LRRK2 (leucine rich repeat kinase 2; plus strand). Cytogenetic location: 12q12.
Variant type: single nucleotide variant.
Coding change: c.2159A>G on transcript NM_198578.4 (MANE Select); coding-DNA position 2159, A replaced by G.
Protein change: p.Asn720Ser; replaces asparagine 720 with serine.
Molecular consequence: missense variant.
Genome position (GRCh38, 1-based): chr12:40,278,179, A>G. VCF-style: chr12-40278179-A-G. GRCh37 (hg19) VCF-style: chr12-40671981-A-G.
Other names: short protein forms N720S.
Identifiers: ClinVar variation 1360689 (VCV001360689.6), dbSNP rs71653639, ClinGen allele CA6513568.
Genomic context (GRCh38, chr12:40,278,179, plus strand): 5'-CAAAAGTAGCTATGGATGATTACTTAAAAAATGTGATGCTAGAGAGAGCGTGTGATCAGA[A>G]TAACAGCATCATGGTTGAATGCTTGCTTCTATTGGGAGCAGATGCCAATCAAGCAAAGGA-3'
Protein context (NP_940980.4, residues 710-730): NVMLERACDQ[Asn720Ser]NSIMVECLLL